The following is an entry in ClinVar:

NM_000350.3(ABCA4):c.1840A>G (p.Met614Val)

Gene: ABCA4 (ATP binding cassette subfamily A member 4; minus strand). Cytogenetic location: 1p22.1.
Variant type: single nucleotide variant.
Coding change: c.1840A>G on transcript NM_000350.3 (MANE Select); coding-DNA position 1840, A replaced by G.
Protein change: p.Met614Val; replaces methionine 614 with valine.
Molecular consequence: missense variant.
Genome position (GRCh38, 1-based): chr1:94,062,674, T>C on the plus strand (A>G on the coding strand, the complement: ABCA4 is on the minus strand). VCF-style: chr1-94062674-T-C. GRCh37 (hg19) VCF-style: chr1-94528230-T-C.
Other names: c.1840A>G (NM_000350.2); c.1840A>G, p.Met614Val (NM_001425324.1); short protein forms M614V.
Identifiers: ClinVar variation 1469908 (VCV001469908.6), dbSNP rs749053239, ClinGen allele CA958413.
Genomic context (GRCh38, chr1:94,062,674, plus strand): 5'-GGTAGATTCCAACTGGAGCCTCCGCCTGCACCTGGCTCCTTGTGATCCCCTGTTCAACCA[T>C]GTCCTGCAGATAGGCAAACCCGCCCCAGATGTACCGGAAATCTTCCACGGGATCAGCTCT-3'
Protein context (NP_000341.2, residues 604-624): IWGGFAYLQD[Met614Val]VEQGITRSQV

ClinVar aggregate classification (germline): Uncertain significance. Review status: criteria provided, multiple submitters, no conflicts (2 of 4 stars). 2 submissions from 2 submitters: Uncertain significance (2). Last evaluated 2025-05-21.

Conditions:
ABCA4-related disorder. Also called: ABCA4-related condition; ABCA4-related disorders. Identifiers: MedGen CN239167.

Allele frequency attached by ClinVar (database versions not stated): TOPMed below 0.00001.
gnomAD v4.1: 5 of 1,614,124 alleles (0.00031%); highest among the groups gnomAD compares: Admixed American, 0.0017%; no homozygotes.

Submissions (2):

PreventionGenetics, part of Exact Sciences
Classification: Uncertain significance for ABCA4-related condition. Last evaluated: 2025-05-21. Review status: criteria provided, single submitter. Criteria: ACMG Guidelines, 2015. Collection method: clinical testing. Allele origin: germline.
Comment: The ABCA4 c.1840A>G variant is predicted to result in the amino acid substitution p.Met614Val. To our knowledge, this variant has not been reported in the literature. This variant is reported in 0.0029% of alleles in individuals of Latino descent in gnomAD. At this time, the clinical significance of this variant is uncertain due to the absence of conclusive functional and genetic evidence.

Labcorp Genetics (formerly Invitae), Labcorp
Classification: Uncertain significance. Last evaluated: 2022-10-05. Review status: criteria provided, single submitter. Criteria: Invitae Variant Classification Sherloc (09022015). Collection method: clinical testing. Allele origin: germline.
Comment: This sequence change replaces methionine, which is neutral and non-polar, with valine, which is neutral and non-polar, at codon 614 of the ABCA4 protein (p.Met614Val). This variant is present in population databases (rs749053239, gnomAD 0.003%). This variant has not been reported in the literature in individuals affected with ABCA4-related conditions. ClinVar contains an entry for this variant (Variation ID: 1469908). Advanced modeling of protein sequence and biophysical properties (such as structural, functional, and spatial information, amino acid conservation, physicochemical variation, residue mobility, and thermodynamic stability) performed at Invitae indicates that this missense variant is expected to disrupt ABCA4 protein function. In summary, the available evidence is currently insufficient to determine the role of this variant in disease. Therefore, it has been classified as a Variant of Uncertain Significance.